The following is an entry in ClinVar:

NM_000038.6(APC):c.8354A>G (p.Asn2785Ser)

Gene: APC (APC regulator of Wnt signaling pathway; plus strand). Cytogenetic location: 5q22.2.
Variant type: single nucleotide variant.
Coding change: c.8354A>G on transcript NM_000038.6 (MANE Select); coding-DNA position 8354, A replaced by G.
Protein change: p.Asn2785Ser; replaces asparagine 2785 with serine.
Molecular consequence: missense variant.
Genome position (GRCh38, 1-based): chr5:112,843,948, A>G. VCF-style: chr5-112843948-A-G. GRCh37 (hg19) VCF-style: chr5-112179645-A-G.
Other names: c.8354A>G, p.Asn2785Ser (NM_001127510.3, NM_001354895.2); c.8300A>G, p.Asn2767Ser (NM_001127511.3); c.8408A>G, p.Asn2803Ser (NM_001354896.2); c.8384A>G, p.Asn2795Ser (NM_001354897.2); c.8279A>G, p.Asn2760Ser (NM_001354898.2); c.8270A>G, p.Asn2757Ser (NM_001354899.2); c.8231A>G, p.Asn2744Ser (NM_001354900.2); c.8177A>G, p.Asn2726Ser (NM_001354901.2); and 5 more; short protein forms N2694S, N2757S, N2795S, N2803S, N2767S, N2502S, N2625S, N2760S.
Identifiers: ClinVar variation 954995 (VCV000954995.11), dbSNP rs1408383396, ClinGen allele CA16039457.
Genomic context (GRCh38, chr5:112,843,948, plus strand): 5'-GCAGCTCAAGCAAACACAGTTCACCTAGTGGGACTGTTGCTGCCAGAGTGACTCCTTTTA[A>G]TTACAACCCAAGCCCTAGGAAAAGCAGCGCAGATAGCACTTCAGCTCGGCCATCTCAGAT-3'
Protein context (NP_000029.2, residues 2775-2795): GTVAARVTPF[Asn2785Ser]YNPSPRKSSA

ClinVar aggregate classification (germline): Uncertain significance (1 of 4 stars; one submission).

Conditions:
Familial adenomatous polyposis 1 (FAP1). Also called: FAMILIAL ADENOMATOUS POLYPOSIS 1, ATTENUATED; POLYPOSIS, ADENOMATOUS INTESTINAL. Identifiers: MedGen C2713442, MONDO:0021056, OMIM 175100. Disease mechanism: loss of function.

Submission:

Labcorp Genetics (formerly Invitae), Labcorp
Classification: Uncertain significance for Familial adenomatous polyposis 1. Last evaluated: 2019-10-23. Review status: criteria provided, single submitter. Criteria: Invitae Variant Classification Sherloc (09022015). Collection method: clinical testing. Allele origin: germline.
Comment: Algorithms developed to predict the effect of missense changes on protein structure and function are either unavailable or do not agree on the potential impact of this missense change (SIFT: "Tolerated"; PolyPhen-2: "Probably Damaging"; Align-GVGD: "Class C0"). This variant has not been reported in the literature in individuals with APC-related conditions. This variant is not present in population databases (ExAC no frequency). This sequence change replaces asparagine with serine at codon 2785 of the APC protein (p.Asn2785Ser). The asparagine residue is highly conserved and there is a small physicochemical difference between asparagine and serine. In summary, the available evidence is currently insufficient to determine the role of this variant in disease. Therefore, it has been classified as a Variant of Uncertain Significance. Algorithms developed to predict the effect of sequence changes on RNA splicing suggest that this variant may create or strengthen a splice site, but this prediction has not been confirmed by published transcriptional studies.